The following is an entry in ClinVar:

ClinVar aggregate classification (germline): Benign. Review status: criteria provided, multiple submitters, no conflicts (2 of 4 stars). 4 submissions from 3 submitters: Benign (4). Last evaluated 2023-12-29.

Conditions:
Leukodystrophy, hypomyelinating, 6. Also called: Hypomyelination with Atrophy of Basal Ganglia and Cerebellum (H-ABC); LEUKODYSTROPHY, HYPOMYELINATING, WITH ATROPHY OF THE BASAL GANGLIA AND CEREBELLUM; TUBB4A-Associated Leukodystrophy. Identifiers: Orphanet 139441, MedGen C2676244, MONDO:0012905, OMIM 612438.
Torsion dystonia 4. Also called: DYSTONIA MUSCULORUM DEFORMANS 4; DYT-TUBB4A (Autosomal Dominant Torsion Dystonia). Identifiers: Orphanet 98805, MedGen C1851943, MONDO:0007493, OMIM 128101.

Allele frequency attached by ClinVar (database versions not stated): gnomAD exomes 0.00231; ExAC 0.00309; gnomAD 0.00913 and 0.00998; 1000 Genomes Project 0.00919; 1000 Genomes Project 30x 0.00984; TOPMed 0.01047; ESP Exome Variant Server 0.01123.
gnomAD v4.1: 2,705 of 1,613,558 alleles (0.17%); highest among the groups gnomAD compares: African/African-American, 3.2%; 43 homozygotes.

Submissions (4):

Mayo Clinic Laboratories, Mayo Clinic
Classification: Benign. Last evaluated: 2023-12-29. Review status: criteria provided, single submitter. Criteria: ACMG Guidelines, 2015. Collection method: clinical testing. Allele origin: germline. Observed: 3 variant alleles.
Comment: BA1, BS2

Illumina Laboratory Services, Illumina
Classification: Benign for Torsion dystonia 4. Last evaluated: 2018-01-12. Review status: criteria provided, single submitter. Criteria: ICSL Variant Classification Criteria 13 December 2019. Collection method: clinical testing. Allele origin: germline.
Comment: This variant was observed in the ICSL laboratory as part of a predisposition screen in an ostensibly healthy population. It had not been previously curated by ICSL or reported in the Human Gene Mutation Database (HGMD: prior to June 1st, 2018), and was therefore a candidate for classification through an automated scoring system. Utilizing variant allele frequency, disease prevalence and penetrance estimates, and inheritance mode, an automated score was calculated to assess if this variant is too frequent to cause the disease. Based on the score and internal cut-off values, a variant classified as benign is not then subjected to further curation. The score for this variant resulted in a classification of benign for this disease.

Illumina Laboratory Services, Illumina
Classification: Benign for Leukodystrophy, hypomyelinating, 6. Last evaluated: 2018-01-12. Review status: criteria provided, single submitter. Criteria: ICSL Variant Classification Criteria 13 December 2019. Collection method: clinical testing. Allele origin: germline.
Comment: the same text as in the submission from Illumina Laboratory Services, Illumina above.

GeneDx
Classification: Benign. Last evaluated: 2016-08-08. Review status: criteria provided, single submitter. Criteria: GeneDx Variant Classification (06012015). Collection method: clinical testing. Allele origin: germline. Affected: yes.
Comment: This variant is considered likely benign or benign based on one or more of the following criteria: it is a conservative change, it occurs at a poorly conserved position in the protein, it is predicted to be benign by multiple in silico algorithms, and/or has population frequency not consistent with disease.

NM_006087.4(TUBB4A):c.*3T>C

Gene: TUBB4A (tubulin beta 4A class IVa; minus strand). Cytogenetic location: 19p13.3.
Variant type: single nucleotide variant.
Coding change: c.*3T>C on transcript NM_006087.4 (MANE Select); 3 bases downstream of the stop codon, T replaced by C.
Molecular consequence: 3 prime UTR variant.
Genome position (GRCh38, 1-based): chr19:6,495,161, A>G on the plus strand (T>C on the coding strand, the complement: TUBB4A is on the minus strand). VCF-style: chr19-6495161-A-G. GRCh37 (hg19) VCF-style: chr19-6495172-A-G.
Other names: c.*3T>C (NM_001289123.2, NM_001289127.2, NM_001289129.2 and 2 more transcripts).
Identifiers: ClinVar variation 384133 (VCV000384133.6), dbSNP rs150446118, ClinGen allele CA9127228.